The following is an entry in ClinVar:

NM_145309.6(LRRC51):c.529C>T (p.Arg177Cys)

Genes: LRRC51 (leucine rich repeat containing 51; plus strand), LRTOMT (leucine rich transmembrane and O-methyltransferase domain containing; plus strand). Cytogenetic location: 11q13.4.
Variant type: single nucleotide variant.
Coding change: c.529C>T on transcript NM_145309.6 (MANE Select); coding-DNA position 529, C replaced by T.
Protein change: p.Arg177Cys; replaces arginine 177 with cysteine.
Molecular consequence: missense variant. On other transcripts: 3 prime UTR variant (1), non-coding transcript variant (2), intron variant (4).
Genome position (GRCh38, 1-based): chr11:72,095,470, C>T. VCF-style: chr11-72095470-C-T. GRCh37 (hg19) VCF-style: chr11-71806516-C-T.
Other names: c.475C>T, p.Arg159Cys (NM_001205138.4); c.*370C>T (NM_001271471.3); c.529C>T, p.Arg177Cys (NM_001318803.2); c.34+374C>T (NM_001145309.4, NM_001145310.4, NM_001145308.5); c.437+374C>T (NM_001145307.5); short protein forms R159C, R177C.
Identifiers: ClinVar variation 3042061 (VCV003042061.2), dbSNP rs138915488, ClinGen allele CA6168293.

ClinVar aggregate classification (germline): Likely benign (0 of 4 stars; one submission).

Conditions:
LRTOMT-related disorder. Also called: LRTOMT-related condition.

Allele frequency attached by ClinVar (database versions not stated): 1000 Genomes Project 30x 0.00016; ExAC 0.00016; 1000 Genomes Project 0.00020; gnomAD exomes 0.00020; gnomAD 0.00027; ESP Exome Variant Server 0.00031; TOPMed 0.00042.
gnomAD v4.1: 349 of 1,614,078 alleles (0.022%); highest among the groups gnomAD compares: Middle Eastern, 0.99%; 2 homozygotes.

Submission:

PreventionGenetics, part of Exact Sciences
Classification: Likely benign for LRTOMT-related condition. Last evaluated: 2023-11-29. Review status: no assertion criteria provided. Collection method: clinical testing. Allele origin: germline.
Comment: This variant is classified as likely benign based on ACMG/AMP sequence variant interpretation guidelines (Richards et al. 2015 PMID: 25741868, with internal and published modifications).